The following is an entry in ClinVar:

ClinVar aggregate classification (germline): Uncertain significance. Review status: criteria provided, single submitter (1 of 4 stars). 4 submissions from 4 submitters: Uncertain significance (1). 3 of the submissions do not count toward it. Last evaluated 2024-01-22.

Conditions:
Frontotemporal dementia and/or amyotrophic lateral sclerosis 7 (FTDALS7). Also called: Amyotrophic lateral sclerosis 17; CHMP2B-related frontotemporal dementia; CHMP2B-Related Frontotemporal Dementia-Amyotrophic Lateral Sclerosis; AMYOTROPHIC LATERAL SCLEROSIS, CHMP2B-RELATED. Identifiers: Orphanet 275864, Orphanet 282, Orphanet 803, MedGen C1833296, MONDO:0010936, OMIM 600795.

Allele frequency attached by ClinVar (database versions not stated): gnomAD exomes below 0.00001.
gnomAD v4.1: 2 of 1,606,506 alleles (0.00012%); highest among the groups gnomAD compares: Non-Finnish European, 0.00017%; no homozygotes.

Submissions (4):

Labcorp Genetics (formerly Invitae), Labcorp
Classification: Uncertain significance for Frontotemporal dementia and/or amyotrophic lateral sclerosis 7. Last evaluated: 2024-01-22. Review status: criteria provided, single submitter. Criteria: Invitae Variant Classification Sherloc (09022015). Collection method: clinical testing. Allele origin: germline.
Comment: This sequence change replaces aspartic acid, which is acidic and polar, with tyrosine, which is neutral and polar, at codon 148 of the CHMP2B protein (p.Asp148Tyr). This variant is not present in population databases (gnomAD no frequency). This missense change has been observed in individual(s) with frontotemporal dementia (PMID: 16041373). ClinVar contains an entry for this variant (Variation ID: 1653). An algorithm developed to predict the effect of missense changes on protein structure and function (PolyPhen-2) suggests that this variant is likely to be disruptive. Experimental studies are conflicting or provide insufficient evidence to determine the effect of this variant on CHMP2B function (PMID: 17956895). In summary, the available evidence is currently insufficient to determine the role of this variant in disease. Therefore, it has been classified as a Variant of Uncertain Significance.

OMIM
Classification: Pathogenic for FRONTOTEMPORAL DEMENTIA AND/OR AMYOTROPHIC LATERAL SCLEROSIS 7. Last evaluated: 2005-08-01. Review status: no assertion criteria provided. Collection method: literature only. Allele origin: germline. Not counted in ClinVar's aggregate classification.

GeneReviews
No classification provided. Condition: Frontotemporal dementia and/or amyotrophic lateral sclerosis 7. Review status: no classification provided. Collection method: literature only. Allele origin: unknown. Not counted in ClinVar's aggregate classification.

VIB  Department of Molecular Genetics, University of Antwerp
No classification provided. Review status: no classification provided. Collection method: not provided. Allele origin: unknown. Not counted in ClinVar's aggregate classification.

Literature cited by the submitters: PubMed 16041373 (cited by 3 submitters); PubMed 17956895 (cited by Labcorp Genetics (formerly Invitae), Labcorp); PubMed 20301378 (cited by GeneReviews); NCBI Bookshelf NBK1199 (cited by GeneReviews).

NM_014043.4(CHMP2B):c.442G>T (p.Asp148Tyr)

Gene: CHMP2B (charged multivesicular body protein 2B; plus strand). Cytogenetic location: 3p11.2.
Variant type: single nucleotide variant.
Coding change: c.442G>T on transcript NM_014043.4 (MANE Select); coding-DNA position 442, G replaced by T.
Protein change: p.Asp148Tyr; replaces aspartic acid 148 with tyrosine.
Molecular consequence: missense variant.
Genome position (GRCh38, 1-based): chr3:87,253,421, G>T. VCF-style: chr3-87253421-G-T. GRCh37 (hg19) VCF-style: chr3-87302571-G-T.
Other names: c.319G>T, p.Asp107Tyr (NM_001244644.2); short protein forms D148Y, D107Y.
Identifiers: ClinVar variation 1653 (VCV000001653.8), dbSNP rs63750653, ClinGen allele CA224974.